The following is an entry in ClinVar:

ClinVar aggregate classification (germline): Pathogenic. Review status: reviewed by expert panel (3 of 4 stars). 4 submissions from 4 submitters: Pathogenic (1). 3 of the submissions do not count toward it. Last evaluated 2016-10-18.

Conditions:
Hereditary breast ovarian cancer syndrome. Also called: Hereditary breast and ovarian cancer syndrome; Hereditary breast and ovarian cancer; Hereditary breast and ovarian cancer syndrome (HBOC); Breast and ovarian cancer; Hereditary breast and/or ovarian cancer syndrome; BRCA1- and BRCA2-Associated Hereditary Breast and Ovarian Cancer. Identifiers: Orphanet 145, MedGen C0677776, MeSH D061325, MONDO:0003582. Disease mechanism: loss of function.
Breast-ovarian cancer, familial, susceptibility to, 2 (BROVCA2). Also called: BRCA2 Hereditary Breast and Ovarian Cancer. Identifiers: Orphanet 145, MedGen C2675520, MONDO:0012933, OMIM 612555. Disease mechanism: loss of function.

Submissions (4):

Evidence-based Network for the Interpretation of Germline Mutant Alleles (ENIGMA)
Classification: Pathogenic for Breast-ovarian cancer, familial, susceptibility to, 2. Last evaluated: 2016-10-18. Review status: reviewed by expert panel. Criteria: ENIGMA BRCA1/2 Classification Criteria (2015). Collection method: curation. Allele origin: germline.
Comment: Variant allele predicted to encode a truncated non-functional protein.

GeneDx
Classification: Pathogenic. Last evaluated: 2023-06-06. Review status: criteria provided, single submitter. Criteria: GeneDx Variant Classification Process June 2021. Collection method: clinical testing. Allele origin: germline. Affected: yes. Not counted in ClinVar's aggregate classification.
Comment: Nonsense variant predicted to result in protein truncation or nonsense mediated decay in a gene for which loss of function is a known mechanism of disease; Observed in an individual with breast cancer (Muller et al., 2011); Truncating variants in this gene are considered pathogenic by a well-established clinical consortium and/or database; Not observed at significant frequency in large population cohorts (gnomAD); Also known as 472A>T; This variant is associated with the following publications: (PMID: 21939546, 29446198)

Consortium of Investigators of Modifiers of BRCA1/2 (CIMBA), c/o University of Cambridge
Classification: Pathogenic for Breast-ovarian cancer, familial, susceptibility to, 2. Last evaluated: 2015-10-02. Review status: criteria provided, single submitter. Criteria: CIMBA Mutation Classification guidelines May 2016. Collection method: clinical testing. Allele origin: germline. Not counted in ClinVar's aggregate classification.

Research Molecular Genetics Laboratory, Women's College Hospital, University of Toronto
Classification: Pathogenic for Hereditary breast ovarian cancer syndrome. Last evaluated: 2014-01-31. Review status: no assertion criteria provided. Collection method: research. Allele origin: germline. Affected: yes. Study: The Canadian Open Genetics Repository (COGR). Not counted in ClinVar's aggregate classification.

NM_000059.4(BRCA2):c.244A>T (p.Lys82Ter)

Gene: BRCA2 (BRCA2 DNA repair associated; plus strand). Cytogenetic location: 13q13.1.
Variant type: single nucleotide variant.
Coding change: c.244A>T on transcript NM_000059.4 (MANE Select); coding-DNA position 244, A replaced by T.
Protein change: p.Lys82Ter; replaces lysine 82 with a stop codon.
Molecular consequence: nonsense.
Genome position (GRCh38, 1-based): chr13:32,319,253, A>T. VCF-style: chr13-32319253-A-T. GRCh37 (hg19) VCF-style: chr13-32893390-A-T.
Other names: 472A>T Lys82ter; short protein forms K82*.
Identifiers: ClinVar variation 51288 (VCV000051288.8), dbSNP rs397507628, ClinGen allele CA015328.